The following is an entry in ClinVar:

ClinVar aggregate classification (germline): Likely benign. Review status: criteria provided, multiple submitters, no conflicts (2 of 4 stars). 3 submissions from 3 submitters: Likely benign (3). Last evaluated 2023-07-10.

Conditions:
Familial thoracic aortic aneurysm and aortic dissection (TAAD). Also called: Thoracic aortic aneurysms and dissections. Identifiers: Orphanet 91387, MedGen C4707243, MONDO:0019625.
Ehlers-Danlos syndrome, type 4 (EDSVASC). Also called: Ehlers-Danlos syndrome vascular type; Ehlers Danlos syndrome, ecchymotic type; Ehlers Danlos syndrome, arterial type; Ehlers Danlos syndrome, Sack-Barabas type; Ehlers-Danlos Syndrome Type IV. Identifiers: Orphanet 286, MedGen C0268338, MONDO:0017314, OMIM 130050.

Allele frequency attached by ClinVar (database versions not stated): gnomAD exomes below 0.00001 and 0.00001; TOPMed below 0.00001; gnomAD 0.00001.
gnomAD v4.1: 4 of 1,557,156 alleles (0.00026%); highest among the groups gnomAD compares: African/African-American, 0.0041%; no homozygotes.

Submissions (3):

All of Us Research Program, National Institutes of Health
Classification: Likely benign for Ehlers-Danlos syndrome, type 4. Last evaluated: 2023-07-10. Review status: criteria provided, single submitter. Criteria: ACMG Guidelines, 2015. Collection method: clinical testing. Allele origin: germline. Inheritance: Autosomal dominant inheritance. Observed: 1 variant allele, 1 heterozygote.
Comment: This study involves interpretation of variants in research participants for the purpose of population health screening. Participant phenotype was not available at the time of variant classification. Additional details can be found in publication PMID: 35346344, PMCID: PMC8962531

Labcorp Genetics (formerly Invitae), Labcorp
Classification: Likely benign for Ehlers-Danlos syndrome, type 4. Last evaluated: 2021-11-28. Review status: criteria provided, single submitter. Criteria: Invitae Variant Classification Sherloc (09022015). Collection method: clinical testing. Allele origin: germline.

Color Diagnostics, LLC DBA Color Health
Classification: Likely benign for Familial thoracic aortic aneurysm and aortic dissection. Last evaluated: 2019-05-04. Review status: criteria provided, single submitter. Criteria: ACMG Guidelines, 2015. Collection method: clinical testing. Allele origin: germline.

NM_000090.4(COL3A1):c.2023-15A>G

Gene: COL3A1 (collagen type III alpha 1 chain; plus strand). Cytogenetic location: 2q32.2.
Variant type: single nucleotide variant.
Coding change: c.2023-15A>G on transcript NM_000090.4 (MANE Select); 15 bases into the intron before coding-DNA position 2023, A replaced by G.
Molecular consequence: intron variant.
Genome position (GRCh38, 1-based): chr2:188,999,270, A>G. VCF-style: chr2-188999270-A-G. GRCh37 (hg19) VCF-style: chr2-189863996-A-G.
Identifiers: ClinVar variation 927055 (VCV000927055.11), dbSNP rs764932588, ClinGen allele CA538464139.
Genomic context (GRCh38, chr2:188,999,270, plus strand): 5'-AAATGATGCAAGTTAAGGTGCTTTGTTTTTAGCTTTGGGTTGTCTAATATGGTTATTTAC[A>G]TATTTTTGTCACAGGGTGATGCTGGTGCCCCTGGTGAACGTGGACCTCCTGGATTGGCAG-3'